The following is an entry in ClinVar:

NC_000007.13:g.(117171169_117174329)_(117242918_117243585)dup

Gene: CFTR (CF transmembrane conductance regulator; plus strand). Cytogenetic location: 7q31.2.
Variant type: Duplication.
Identifiers: ClinVar variation 3895725 (VCV003895725.1).

ClinVar aggregate classification (germline): Likely pathogenic (1 of 4 stars; one submission).

Conditions:
Cystic fibrosis (CF). Also called: MUCOVISCIDOSIS. Identifiers: Orphanet 586, MedGen C0010674, MONDO:0009061, OMIM 219700. Disease mechanism: loss of function.

Submission:

Women's Health and Genetics/Laboratory Corporation of America, LabCorp
Classification: Likely pathogenic for Cystic fibrosis. Last evaluated: 2025-03-11. Review status: criteria provided, single submitter. Criteria: LabCorp Variant Classification Summary - May 2015. Collection method: clinical testing. Allele origin: germline.
Comment: Variant summary: The variant involves the duplication of exons 5-16 in the CFTR gene. A presumed nomenclature of c.(489+1_490-1)_(2657+1_2658-1)dup has been designated for the purposes of this classification. It is assumed to be a tandem duplication in direct orientation (PMIDs: 25640679, 30054569). This Copy Number Variant (CNV) is expected to alter the reading frame and predicted to result in a truncation or absence of the encoded protein due to nonsense mediated decay (NMD). The variant was absent in 21664 control chromosomes in the gnomAD database (Structural Variants v2.1 dataset). To our knowledge, no occurrence of this duplication in individuals affected with Cystic Fibrosis and no experimental evidence demonstrating its impact on protein function have been reported. No submitters have cited clinical-significance assessments for this variant to ClinVar. Based on the evidence outlined above, the variant was classified as likely pathogenic.